The following is an entry in ClinVar:

NM_001277115.2(DNAH11):c.7294C>T (p.Arg2432Trp)

Gene: DNAH11 (dynein axonemal heavy chain 11; plus strand). Cytogenetic location: 7p15.3.
Variant type: single nucleotide variant.
Coding change: c.7294C>T on transcript NM_001277115.2 (MANE Select); coding-DNA position 7294, C replaced by T.
Protein change: p.Arg2432Trp; replaces arginine 2432 with tryptophan.
Molecular consequence: missense variant.
Genome position (GRCh38, 1-based): chr7:21,725,838, C>T. VCF-style: chr7-21725838-C-T. GRCh37 (hg19) VCF-style: chr7-21765456-C-T.
Other names: short protein forms R2432W.
Identifiers: ClinVar variation 220425 (VCV000220425.20), dbSNP rs188615176, ClinGen allele CA349204.

ClinVar aggregate classification (germline): Conflicting classifications of pathogenicity. Review status: criteria provided, conflicting classifications (1 of 4 stars). 4 submissions from 4 submitters: Uncertain significance (2); Likely benign (2). Last evaluated 2026-01-25.

Conditions:
Primary ciliary dyskinesia 7. Also called: CILIARY DYSKINESIA, PRIMARY, 7, WITH OR WITHOUT SITUS INVERSUS. Identifiers: Orphanet 244, MedGen C2678473, MONDO:0012748, OMIM 611884.
Primary ciliary dyskinesia. Also called: Ciliary dyskinesia. Identifiers: Orphanet 244, MedGen C0008780, MONDO:0016575, HP:0012265.

Allele frequency attached by ClinVar (database versions not stated): 1000 Genomes Project 0.00020; ESP Exome Variant Server 0.00025; gnomAD exomes 0.00025 and 0.00037; ExAC 0.00032; gnomAD 0.00046 and 0.00049; 1000 Genomes Project 30x 0.00047; TOPMed 0.00068.
gnomAD v4.1: 436 of 1,611,676 alleles (0.027%); highest among the groups gnomAD compares: Admixed American, 0.15%; 2 homozygotes.

Submissions (4):

Labcorp Genetics (formerly Invitae), Labcorp
Classification: Likely benign for Primary ciliary dyskinesia. Last evaluated: 2026-01-25. Review status: criteria provided, single submitter. Criteria: Invitae Variant Classification Sherloc (09022015). Collection method: clinical testing. Allele origin: germline.

Blueprint Genetics
Classification: Likely benign. Last evaluated: 2024-10-30. Review status: criteria provided, single submitter. Criteria: ACMG Guidelines, 2015. Collection method: clinical testing. Allele origin: germline.

GeneDx
Classification: Uncertain significance. Last evaluated: 2021-10-13. Review status: criteria provided, single submitter. Criteria: GeneDx Variant Classification Process June 2021. Collection method: clinical testing. Allele origin: germline. Affected: yes.
Comment: In silico analysis supports that this missense variant has a deleterious effect on protein structure/function; Has not been previously published as pathogenic or benign to our knowledge

Baylor Genetics
Classification: Uncertain significance for Primary ciliary dyskinesia 7. Last evaluated: 2020-03-06. Review status: criteria provided, single submitter. Criteria: ACMG Guidelines, 2015. Collection method: clinical testing. Allele origin: unknown. Affected: yes.
Comment: This variant was determined to be of uncertain significance according to ACMG Guidelines, 2015 [PMID:25741868].